The following is an entry in ClinVar:

ClinVar aggregate classification (germline): Pathogenic/Likely pathogenic. Review status: criteria provided, multiple submitters, no conflicts (2 of 4 stars). 2 submissions from 2 submitters: Pathogenic (1); Likely pathogenic (1). Last evaluated 2021-04-05.

Conditions:
Renal tubular dysgenesis of genetic origin. Also called: PRIMITIVE RENAL TUBULE SYNDROME. Identifiers: Orphanet 97369, MedGen C5681536, MONDO:0009970, OMIM 267430.

Submissions (2):

GeneDx
Classification: Pathogenic. Last evaluated: 2021-04-05. Review status: criteria provided, single submitter. Criteria: GeneDx Variant Classification Process June 2021. Collection method: clinical testing. Allele origin: germline. Affected: yes.
Comment: Initiation codon variant in a gene for which loss-of-function is a known mechanism of disease; Not observed in large population cohorts (Lek et al., 2016); Has not been previously published as pathogenic or benign to our knowledge

Neuberg Centre For Genomic Medicine, NCGM
Classification: Likely pathogenic for Renal tubular dysgenesis of genetic origin. Review status: criteria provided, single submitter. Criteria: ACMG Guidelines, 2015. Collection method: clinical testing. Allele origin: germline. Inheritance: Autosomal recessive inheritance. Affected: yes.

NM_000789.4(ACE):c.2T>C (p.Met1Thr)

Gene: ACE (angiotensin I converting enzyme; plus strand). Cytogenetic location: 17q23.3.
Variant type: single nucleotide variant.
Coding change: c.2T>C on transcript NM_000789.4 (MANE Select); coding-DNA position 2, T replaced by C.
Protein change: p.Met1Thr; changes the start codon (methionine 1).
Molecular consequence: missense variant, initiator codon variant. On other transcripts: 5 prime UTR variant (2).
Genome position (GRCh38, 1-based): chr17:63,477,096, T>C. VCF-style: chr17-63477096-T-C. GRCh37 (hg19) VCF-style: chr17-61554457-T-C.
Other names: c.-234T>C (NM_001382700.1); c.-613T>C (NM_001382701.1); short protein forms M1T.
Identifiers: ClinVar variation 1215324 (VCV001215324.5), dbSNP rs1005792910, ClinGen allele CA400538166.
Genomic context (GRCh38, chr17:63,477,096, plus strand): 5'-ACCCGCAGGGCGGCCGCGGCGCAGGAGAAGGGGCAGAGCCGAGCACCGCGCACCGCGTCA[T>C]GGGGGCCGCCTCGGGCCGCCGGGGGCCGGGGCTGCTGCTGCCGCTGCCGCTGCTGTTGCT-3'
Protein context (NP_000780.1, residues 1-11): [Met1Thr]GAASGRRGPG